The following is an entry in ClinVar:

NM_001035.3(RYR2):c.6702G>C (p.Met2234Ile)

Gene: RYR2 (ryanodine receptor 2; plus strand). Cytogenetic location: 1q43.
Variant type: single nucleotide variant.
Coding change: c.6702G>C on transcript NM_001035.3 (MANE Select); coding-DNA position 6702, G replaced by C.
Protein change: p.Met2234Ile; replaces methionine 2234 with isoleucine.
Molecular consequence: missense variant.
Genome position (GRCh38, 1-based): chr1:237,634,902, G>C. VCF-style: chr1-237634902-G-C. GRCh37 (hg19) VCF-style: chr1-237798202-G-C.
Other names: short protein forms M2234I.
Identifiers: ClinVar variation 2705297 (VCV002705297.3), dbSNP rs2546936646, ClinGen allele CA345394494.

ClinVar aggregate classification (germline): Uncertain significance (1 of 4 stars; one submission).

Conditions:
Catecholaminergic polymorphic ventricular tachycardia 1. Also called: VENTRICULAR TACHYCARDIA, CATECHOLAMINERGIC POLYMORPHIC, 1, WITH OR WITHOUT ATRIAL DYSFUNCTION AND/OR DILATED CARDIOMYOPATHY; VENTRICULAR TACHYCARDIA, STRESS-INDUCED POLYMORPHIC 1; RYR2-Related Catecholaminergic Polymorphic Ventricular Tachycardia. Identifiers: Orphanet 3286, MedGen C1631597, MONDO:0011484, OMIM 604772.

Submission:

Labcorp Genetics (formerly Invitae), Labcorp
Classification: Uncertain significance for Catecholaminergic polymorphic ventricular tachycardia 1. Last evaluated: 2024-01-03. Review status: criteria provided, single submitter. Criteria: Invitae Variant Classification Sherloc (09022015). Collection method: clinical testing. Allele origin: germline.
Comment: This sequence change replaces methionine, which is neutral and non-polar, with isoleucine, which is neutral and non-polar, at codon 2234 of the RYR2 protein (p.Met2234Ile). This variant is not present in population databases (gnomAD no frequency). This variant has not been reported in the literature in individuals affected with RYR2-related conditions. Advanced modeling of protein sequence and biophysical properties (such as structural, functional, and spatial information, amino acid conservation, physicochemical variation, residue mobility, and thermodynamic stability) performed at Invitae indicates that this missense variant is expected to disrupt RYR2 protein function with a positive predictive value of 95%. In summary, the available evidence is currently insufficient to determine the role of this variant in disease. Therefore, it has been classified as a Variant of Uncertain Significance.